The following is an entry in ClinVar:

ClinVar aggregate classification (germline): Conflicting classifications of pathogenicity. Review status: criteria provided, conflicting classifications (1 of 4 stars). 4 submissions from 4 submitters: Uncertain significance (2); Benign (1); Likely benign (1). Last evaluated 2025-08-09.

Conditions:
Familial sleep-related hypermotor epilepsy. Also called: Autosomal Dominant Sleep-Related Hypermotor (Hyperkinetic) Epilepsy. Identifiers: Orphanet 98784, MedGen C3696898, MONDO:0000030.
Autosomal dominant nocturnal frontal lobe epilepsy 4. Also called: EPILEPSY, FAMILIAL, WITH NOCTURNAL WANDERING AND ICTAL FEAR; CHRNA2-Related Nocturnal Frontal Lobe Epilepsy, Autosomal Dominant. Identifiers: Orphanet 98784, MedGen C1835905, MONDO:0012474, OMIM 610353.

Allele frequency attached by ClinVar (database versions not stated): ExAC 0.00009; TOPMed 0.00007; gnomAD exomes 0.00008 and 0.00004; gnomAD 0.00004 and 0.00006.
gnomAD v4.1: 73 of 1,614,030 alleles (0.0045%); highest among the groups gnomAD compares: East Asian, 0.058%; no homozygotes.

Submissions (4):

Labcorp Genetics (formerly Invitae), Labcorp
Classification: Likely benign. Last evaluated: 2025-08-09. Review status: criteria provided, single submitter. Criteria: Invitae Variant Classification Sherloc (09022015). Collection method: clinical testing. Allele origin: germline.

Laboratory of Genetics, Children's Clinical University Hospital Latvia
Classification: Benign. Last evaluated: 2025-02-16. Review status: criteria provided, single submitter. Criteria: ACMG Guidelines, 2015. Collection method: clinical testing. Allele origin: germline. Affected: yes.

Fulgent Genetics
Classification: Uncertain significance for Autosomal dominant nocturnal frontal lobe epilepsy 4. Last evaluated: 2018-10-31. Review status: criteria provided, single submitter. Criteria: ACMG Guidelines, 2015. Collection method: clinical testing. Allele origin: unknown.

GeneDx
Classification: Uncertain significance. Last evaluated: 2014-01-07. Review status: criteria provided, single submitter. Criteria: GeneDx Variant Classification (06012015). Collection method: clinical testing. Allele origin: germline. Affected: yes.
Comment: p.Ser358Ile (AGC>ATC): c.1073 G>T in exon 6 of the CHRNA2 gene (NM_000742.3). The S358I missense change has not been published as a mutation, nor has it been reported as a benign polymorphism to our knowledge. It was not observed in approximately 6,500 individuals of European and African American ancestry in the NHLBI Exome Sequencing Project, indicating it is not a common benign variant in these populations. This variant is a non-conservative amino acid substitution, which is is likely to impact secondary protein structure as these residues differ in polarity, charge, size and/or other properties. However, this amino acid substitution occurs at a position that is not highly conserved across species and does not occur within the transmembrane region of the protein, where the vast majority of pathogenic missense mutations have been identified in association with epilepsy (Steinlein et al., 2010). In silico analysis is inconsistent with regard to the effect this variant may have on the protein structure/function. The variant is found in INFANT-EPI panel(s).

NM_000742.4(CHRNA2):c.1073G>T (p.Ser358Ile)

Gene: CHRNA2 (cholinergic receptor nicotinic alpha 2 subunit; minus strand). Cytogenetic location: 8p21.2.
Variant type: single nucleotide variant.
Coding change: c.1073G>T on transcript NM_000742.4 (MANE Select); coding-DNA position 1073, G replaced by T.
Protein change: p.Ser358Ile; replaces serine 358 with isoleucine.
Molecular consequence: missense variant.
Genome position (GRCh38, 1-based): chr8:27,463,370, C>A on the plus strand (G>T on the coding strand, the complement: CHRNA2 is on the minus strand). VCF-style: chr8-27463370-C-A. GRCh37 (hg19) VCF-style: chr8-27320887-C-A.
Other names: p.S358I:AGC>ATC; c.1028G>T, p.Ser343Ile (NM_001282455.2); c.596G>T, p.Ser199Ile (NM_001347705.2, NM_001347706.2); c.479G>T, p.Ser160Ile (NM_001347707.2, NM_001347708.2); short protein forms S358I, S160I, S199I, S343I.
Identifiers: ClinVar variation 204968 (VCV000204968.8), dbSNP rs74341575, ClinGen allele CA313458.